The following is an entry in ClinVar:

NM_020921.4(NIN):c.5509T>A (p.Ser1837Thr)

Gene: NIN (ninein; minus strand). Cytogenetic location: 14q22.1.
Variant type: single nucleotide variant.
Coding change: c.5509T>A on transcript NM_020921.4 (MANE Select); coding-DNA position 5509, T replaced by A.
Protein change: p.Ser1837Thr; replaces serine 1837 with threonine.
Molecular consequence: missense variant.
Genome position (GRCh38, 1-based): chr14:50,739,427, A>T on the plus strand (T>A on the coding strand, the complement: NIN is on the minus strand). VCF-style: chr14-50739427-A-T. GRCh37 (hg19) VCF-style: chr14-51206145-A-T.
Other names: c.3370T>A, p.Ser1124Thr (NM_016350.5); c.5509T>A, p.Ser1837Thr (NM_182944.3, NM_182946.2); short protein forms S1837T, S1124T.
Identifiers: ClinVar variation 129795 (VCV000129795.14), dbSNP rs12717411, ClinGen allele CA154105.

ClinVar aggregate classification (germline): Benign. Review status: criteria provided, multiple submitters, no conflicts (2 of 4 stars). 3 submissions from 3 submitters: Benign (2). 1 of the submissions does not count toward it. Last evaluated 2026-02-01.

Allele frequency attached by ClinVar (database versions not stated): 1000 Genomes Project 30x 0.00906; 1000 Genomes Project 0.00978; gnomAD 0.02068 and 0.02104; TOPMed 0.02263; ESP Exome Variant Server 0.02376.
gnomAD v4.1: 42,699 of 1,614,164 alleles (2.6%); highest among the groups gnomAD compares: Middle Eastern, 4.4%; 721 homozygotes.

Submissions (3):

Labcorp Genetics (formerly Invitae), Labcorp
Classification: Benign. Last evaluated: 2026-02-01. Review status: criteria provided, single submitter. Criteria: Invitae Variant Classification Sherloc (09022015). Collection method: clinical testing. Allele origin: germline.

Breakthrough Genomics
Classification: Benign. Review status: criteria provided, single submitter. Criteria: ACMG Guidelines, 2015. Collection method: not provided. Allele origin: germline. Inheritance: Autosomal recessive inheritance. Affected: yes.

Genetic Services Laboratory, University of Chicago
Classification: Likely benign for AllHighlyPenetrant. Review status: no assertion criteria provided. Collection method: clinical testing. Allele origin: germline. Inheritance: Autosomal recessive inheritance. Not counted in ClinVar's aggregate classification.
Comment: Likely benign based on allele frequency in 1000 Genomes Project or ESP global frequency and its presence in a patient with a rare or unrelated disease phenotype. NOT Sanger confirmed.